The following is an entry in ClinVar:

ClinVar aggregate classification (germline): Uncertain significance (1 of 4 stars; one submission).

Conditions:
Nemaline myopathy 2 (NEM2). Also called: Nemaline myopathy 2, autosomal recessive. Identifiers: MedGen C1850569, MONDO:0009725, OMIM 256030.

Allele frequency attached by ClinVar (database versions not stated): gnomAD exomes below 0.00001.
gnomAD v4.1: 1 of 1,536,790 alleles (0.000065%); highest among the groups gnomAD compares: South Asian, 0.0011%; no homozygotes.

Submission:

Baylor Genetics
Classification: Uncertain significance for Nemaline myopathy 2. Last evaluated: 2019-09-23. Review status: criteria provided, single submitter. Criteria: ACMG Guidelines, 2015. Collection method: clinical testing. Allele origin: unknown. Affected: yes.
Comment: This variant was determined to be of uncertain significance according to ACMG Guidelines, 2015 [PMID:25741868].

NM_001164508.2(NEB):c.23835+20A>G

Genes: NEB (nebulin; minus strand), RIF1 (replication timing regulatory factor 1; plus strand). Cytogenetic location: 2q23.3.
Variant type: single nucleotide variant.
Coding change: c.23835+20A>G on transcript NM_001164508.2 (MANE Select); 20 bases into the intron after coding-DNA position 23835, A replaced by G.
Molecular consequence: intron variant.
Genome position (GRCh38, 1-based): chr2:151,503,329, T>C on the plus strand (A>G on the coding strand, the complement: NEB is on the minus strand). VCF-style: chr2-151503329-T-C. GRCh37 (hg19) VCF-style: chr2-152359843-T-C.
Other names: c.18732+20A>G (NM_004543.5); c.23835+20A>G (NM_001164507.2); c.23940+20A>G (NM_001271208.2).
Identifiers: ClinVar variation 1031198 (VCV001031198.1), dbSNP rs2066191302, ClinGen allele CA1298154522.